The following is an entry in ClinVar:

ClinVar aggregate classification (germline): Uncertain significance (1 of 4 stars; one submission).

Conditions:
Autoimmune lymphoproliferative syndrome, type III caused by mutation in PRKCD. Identifiers: Orphanet 3261, Orphanet 664711, MedGen C3809928, MONDO:8000024, OMIM 615559.

Allele frequency attached by ClinVar (database versions not stated): gnomAD exomes below 0.00001.

Submission:

Labcorp Genetics (formerly Invitae), Labcorp
Classification: Uncertain significance for Autoimmune lymphoproliferative syndrome, type III caused by mutation in PRKCD. Last evaluated: 2022-03-19. Review status: criteria provided, single submitter. Criteria: Invitae Variant Classification Sherloc (09022015). Collection method: clinical testing. Allele origin: germline.
Comment: ClinVar contains an entry for this variant (Variation ID: 967865). This variant has not been reported in the literature in individuals affected with PRKCD-related conditions. This variant is not present in population databases (gnomAD no frequency). This sequence change replaces serine, which is neutral and polar, with phenylalanine, which is neutral and non-polar, at codon 546 of the PRKCD protein (p.Ser546Phe). In summary, the available evidence is currently insufficient to determine the role of this variant in disease. Therefore, it has been classified as a Variant of Uncertain Significance. Algorithms developed to predict the effect of missense changes on protein structure and function are either unavailable or do not agree on the potential impact of this missense change (SIFT: "Deleterious"; PolyPhen-2: "Probably Damaging"; Align-GVGD: "Class C15").

NM_006254.4(PRKCD):c.1637C>T (p.Ser546Phe)

Gene: PRKCD (protein kinase C delta; plus strand). Cytogenetic location: 3p21.1.
Variant type: single nucleotide variant.
Coding change: c.1637C>T on transcript NM_006254.4 (MANE Select); coding-DNA position 1637, C replaced by T.
Protein change: p.Ser546Phe; replaces serine 546 with phenylalanine.
Molecular consequence: missense variant.
Genome position (GRCh38, 1-based): chr3:53,189,140, C>T. VCF-style: chr3-53189140-C-T. GRCh37 (hg19) VCF-style: chr3-53223156-C-T.
Other names: c.1637C>T, p.Ser546Phe (NM_001316327.2, NM_001354679.2, NM_001354680.2 and 1 more transcripts); c.1694C>T, p.Ser565Phe (NM_001354676.2); c.1685C>T, p.Ser562Phe (NM_001354678.2); short protein forms S562F, S565F, S546F.
Identifiers: ClinVar variation 967865 (VCV000967865.6), dbSNP rs1703824527, ClinGen allele CA353223834.
Genomic context (GRCh38, chr3:53,189,140, plus strand): 5'-CATTCTCTGTGGACTGGTGGTCTTTCGGGGTCCTTCTGTACGAGATGCTCATTGGCCAGT[C>T]CCCCTTCCATGGTGATGATGAGGATGAACTCTTCGAGTCCATCCGTGTGGACACGCCACA-3'
Protein context (NP_006245.2, residues 536-556): VLLYEMLIGQ[Ser546Phe]PFHGDDEDEL